The following is an entry in ClinVar:

ClinVar aggregate classification (germline): Benign (1 of 4 stars; one submission).

Allele frequency attached by ClinVar (database versions not stated): gnomAD 0.65313; 1000 Genomes Project 0.65616; 1000 Genomes Project 30x 0.65869; TOPMed 0.67973.

Submissions (3):

GeneDx
Classification: Benign. Last evaluated: 2018-06-14. Review status: criteria provided, single submitter. Criteria: GeneDx Variant Classification (06012015). Collection method: clinical testing. Allele origin: germline. Affected: yes.
Comment: This variant is considered likely benign or benign based on one or more of the following criteria: it is a conservative change, it occurs at a poorly conserved position in the protein, it is predicted to be benign by multiple in silico algorithms, and/or has population frequency not consistent with disease.

Dr. Peter K. Rogan Lab, Western University
No classification provided (evidence only). Condition: Gastric cancer. Review status: no classification provided. Collection method: in vitro. Allele origin: not applicable. Functional consequence: retained intron. Not counted in ClinVar's aggregate classification.

Dr. Peter K. Rogan Lab, Western University
No classification provided (evidence only). Condition: Gastric cancer. Review status: no classification provided. Collection method: in vitro. Allele origin: not applicable. Functional consequence: retained intron. Not counted in ClinVar's aggregate classification.

NM_001079872.2(CUL4B):c.672+188A>G

Gene: CUL4B (cullin 4B; minus strand). Cytogenetic location: Xq24.
Variant type: single nucleotide variant.
Coding change: c.672+188A>G on transcript NM_001079872.2 (MANE Select); 188 bases into the intron after coding-DNA position 672, A replaced by G.
Molecular consequence: intron variant.
Genome position (GRCh38, 1-based): chrX:120,557,736, T>C on the plus strand (A>G on the coding strand, the complement: CUL4B is on the minus strand). VCF-style: chrX-120557736-T-C. GRCh37 (hg19) VCF-style: chrX-119691591-T-C.
Other names: NC_000023.10:g.119691591T>C; c.726+188A>G (NM_003588.4); c.687+188A>G (NM_001330624.2); c.138+188A>G (NM_001369145.1).
Identifiers: ClinVar variation 679266 (VCV000679266.2), dbSNP rs2301636, ClinGen allele CA15035335.